The following is an entry in ClinVar:

ClinVar aggregate classification (germline): Uncertain significance (1 of 4 stars; one submission).

Conditions:
Otofaciocervical syndrome 1 (OTFCS). Identifiers: MedGen C3714941, MONDO:0024532, OMIM 166780.

Submission:

Centre for Mendelian Genomics, University Medical Centre Ljubljana
Classification: Uncertain significance for Otofaciocervical syndrome 1. Last evaluated: 2019-05-17. Review status: criteria provided, single submitter. Criteria: ACMG Guidelines, 2015. Collection method: clinical testing. Allele origin: unknown. Affected: yes.
Comment: This variant was classified as: Uncertain significance. The available evidence on this variant's pathogenicity is insufficient or conflicting. The following ACMG criteria were applied in classifying this variant: PM2.

NM_000503.6(EYA1):c.9G>A (p.Met3Ile)

Gene: EYA1 (EYA transcriptional coactivator and phosphatase 1; minus strand). Cytogenetic location: 8q13.3.
Variant type: single nucleotide variant.
Coding change: c.9G>A on transcript NM_000503.6 (MANE Select); coding-DNA position 9, G replaced by A.
Protein change: p.Met3Ile; replaces methionine 3 with isoleucine.
Molecular consequence: missense variant. On other transcripts: 5 prime UTR variant (1).
Genome position (GRCh38, 1-based): chr8:71,354,897, C>T on the plus strand (G>A on the coding strand, the complement: EYA1 is on the minus strand). VCF-style: chr8-71354897-C-T. GRCh37 (hg19) VCF-style: chr8-72267132-C-T.
Other names: c.9G>A, p.Met3Ile (NM_001288574.2, NM_001370334.1, NM_001370335.1 and 1 more transcripts); c.-276G>A (NM_001288575.2); c.96G>A, p.Met32Ile (NM_001370333.1, NM_001370336.1, NM_172059.5); short protein forms M32I, M3I.
Identifiers: ClinVar variation 930620 (VCV000930620.3), dbSNP rs1826704843, ClinGen allele CA371529758.